The following is an entry in ClinVar:

NM_000057.4(BLM):c.3433C>G (p.Leu1145Val)

Gene: BLM (BLM RecQ like helicase; plus strand). Cytogenetic location: 15q26.1.
Variant type: single nucleotide variant.
Coding change: c.3433C>G on transcript NM_000057.4 (MANE Select); coding-DNA position 3433, C replaced by G.
Protein change: p.Leu1145Val; replaces leucine 1145 with valine.
Molecular consequence: missense variant. On other transcripts: intron variant (1).
Genome position (GRCh38, 1-based): chr15:90,803,595, C>G. VCF-style: chr15-90803595-C-G. GRCh37 (hg19) VCF-style: chr15-91346825-C-G.
Other names: c.3433C>G, p.Leu1145Val (NM_001287246.2); c.2308C>G, p.Leu770Val (NM_001287248.2); c.3358+5258C>G (NM_001287247.2); short protein forms L770V, L1145V.
Identifiers: ClinVar variation 1731400 (VCV001731400.4), dbSNP rs1045562599, ClinGen allele CA274774645.
Genomic context (GRCh38, chr15:90,803,595, plus strand): 5'-AAAATCCAGTCAGGTATATTTGGAAAAGGATCTGCTTATTCACGACACAATGCCGAAAGA[C>G]TTTTTAAAAAGCTGATACTTGACAAGATTTTGGATGAAGACTTATATATCAATGCCAATG-3'
Protein context (NP_000048.1, residues 1135-1155): SAYSRHNAER[Leu1145Val]FKKLILDKIL

ClinVar aggregate classification (germline): Uncertain significance. Review status: criteria provided, multiple submitters, no conflicts (2 of 4 stars). 2 submissions from 2 submitters: Uncertain significance (2). Last evaluated 2025-01-26.

Conditions:
Hereditary cancer-predisposing syndrome. Also called: Neoplastic Syndromes, Hereditary; Tumor predisposition; Hereditary Cancer Syndrome; Hereditary neoplastic syndrome. Identifiers: Orphanet 140162, MedGen C0027672, MeSH D009386, MONDO:0015356.
Bloom syndrome (BLM). Also called: Bloom-Torre-Machacek syndrome. Identifiers: Orphanet 125, MedGen C0005859, MONDO:0008876, OMIM 210900.

Submissions (2):

Labcorp Genetics (formerly Invitae), Labcorp
Classification: Uncertain significance for Bloom syndrome. Last evaluated: 2025-01-26. Review status: criteria provided, single submitter. Criteria: Invitae Variant Classification Sherloc (09022015). Collection method: clinical testing. Allele origin: germline.
Comment: This sequence change replaces leucine, which is neutral and non-polar, with valine, which is neutral and non-polar, at codon 1145 of the BLM protein (p.Leu1145Val). This variant is not present in population databases (gnomAD no frequency). This variant has not been reported in the literature in individuals affected with BLM-related conditions. ClinVar contains an entry for this variant (Variation ID: 1731400). Invitae Evidence Modeling of protein sequence and biophysical properties (such as structural, functional, and spatial information, amino acid conservation, physicochemical variation, residue mobility, and thermodynamic stability) has been performed for this missense variant. However, the output from this modeling did not meet the statistical confidence thresholds required to predict the impact of this variant on BLM protein function. In summary, the available evidence is currently insufficient to determine the role of this variant in disease. Therefore, it has been classified as a Variant of Uncertain Significance.

Ambry Genetics
Classification: Uncertain significance for Hereditary cancer-predisposing syndrome. Last evaluated: 2022-08-16. Review status: criteria provided, single submitter. Criteria: Ambry Variant Classification Scheme 2023. Collection method: clinical testing. Allele origin: germline.
Comment: The p.L1145V variant (also known as c.3433C>G), located in coding exon 17 of the BLM gene, results from a C to G substitution at nucleotide position 3433. The leucine at codon 1145 is replaced by valine, an amino acid with highly similar properties. This amino acid position is highly conserved in available vertebrate species. In addition, this alteration is predicted to be deleterious by in silico analysis. Since supporting evidence is limited at this time, the clinical significance of this alteration remains unclear.